The following is an entry in ClinVar:

ClinVar aggregate classification (germline): Uncertain significance (1 of 4 stars; one submission).

Conditions:
Hereditary cancer-predisposing syndrome. Also called: Hereditary Cancer Syndrome; Hereditary neoplastic syndrome; Neoplastic Syndromes, Hereditary; Tumor predisposition. Identifiers: Orphanet 140162, MedGen C0027672, MeSH D009386, MONDO:0015356.

gnomAD v4.1: 1 of 1,614,244 alleles (0.000062%); highest among the groups gnomAD compares: South Asian, 0.0011%; no homozygotes.

Submission:

Ambry Genetics
Classification: Uncertain significance for Hereditary cancer-predisposing syndrome. Last evaluated: 2025-08-23. Review status: criteria provided, single submitter. Criteria: Ambry Variant Classification Scheme 2023. Collection method: clinical testing. Allele origin: germline.
Comment: The p.K73E variant (also known as c.217A>G), located in coding exon 1 of the CDKN1B gene, results from an A to G substitution at nucleotide position 217. The lysine at codon 73 is replaced by glutamic acid, an amino acid with similar properties. This amino acid position is conserved. In addition, this alteration is predicted to be tolerated by in silico analysis. Based on the available evidence, the clinical significance of this variant remains unclear.

NM_004064.5(CDKN1B):c.217A>G (p.Lys73Glu)

Gene: CDKN1B (cyclin dependent kinase inhibitor 1B; plus strand). Cytogenetic location: 12p13.1.
Variant type: single nucleotide variant.
Coding change: c.217A>G on transcript NM_004064.5 (MANE Select); coding-DNA position 217, A replaced by G.
Protein change: p.Lys73Glu; replaces lysine 73 with glutamic acid.
Molecular consequence: missense variant.
Genome position (GRCh38, 1-based): chr12:12,718,056, A>G. VCF-style: chr12-12718056-A-G. GRCh37 (hg19) VCF-style: chr12-12870990-A-G.
Other names: short protein forms K73E.
Identifiers: ClinVar variation 4224755 (VCV004224755.1).
Genomic context (GRCh38, chr12:12,718,056, plus strand): 5'-GAAGAGGCGAGCCAGCGCAAGTGGAATTTCGATTTTCAGAATCACAAACCCCTAGAGGGC[A>G]AGTACGAGTGGCAAGAGGTGGAGAAGGGCAGCTTGCCCGAGTTCTACTACAGACCCCCGC-3'
Protein context (NP_004055.1, residues 63-83): DFQNHKPLEG[Lys73Glu]YEWQEVEKGS